The following is an entry in ClinVar:

ClinVar aggregate classification (germline): Likely benign. Review status: reviewed by expert panel (3 of 4 stars). 3 submissions from 3 submitters: Likely benign (1). 2 of the submissions do not count toward it. Last evaluated 2017-06-29.

Conditions:
Hereditary cancer-predisposing syndrome. Also called: Neoplastic Syndromes, Hereditary; Tumor predisposition; Hereditary neoplastic syndrome; Hereditary Cancer Syndrome. Identifiers: Orphanet 140162, MedGen C0027672, MeSH D009386, MONDO:0015356.
Breast-ovarian cancer, familial, susceptibility to, 2 (BROVCA2). Also called: BRCA2 Hereditary Breast and Ovarian Cancer. Identifiers: Orphanet 145, MedGen C2675520, MONDO:0012933, OMIM 612555. Disease mechanism: loss of function.

Submissions (3):

Evidence-based Network for the Interpretation of Germline Mutant Alleles (ENIGMA)
Classification: Likely benign for Breast-ovarian cancer, familial, susceptibility to, 2. Last evaluated: 2017-06-29. Review status: reviewed by expert panel. Criteria: ENIGMA BRCA1/2 Classification Criteria (2017-06-29). Collection method: curation. Allele origin: germline.
Comment: Synonymous substitution variant, with low bioinformatic likelihood to result in a splicing aberration (Splicing prior probability 0.02).

Ambry Genetics
Classification: Likely benign for Hereditary cancer-predisposing syndrome. Last evaluated: 2025-08-04. Review status: criteria provided, single submitter. Criteria: Ambry Variant Classification Scheme 2023. Collection method: clinical testing. Allele origin: germline. Not counted in ClinVar's aggregate classification.

Breast Cancer Information Core (BIC) (BRCA2)
Classification: Benign for Breast-ovarian cancer, familial 2. Last evaluated: 2010-12-17. Review status: no assertion criteria provided. Collection method: clinical testing. Allele origin: germline. Affected: yes. Observed: 1 variant allele. Not counted in ClinVar's aggregate classification.

NM_000059.4(BRCA2):c.5298T>C (p.Asn1766=)

Gene: BRCA2 (BRCA2 DNA repair associated; plus strand). Cytogenetic location: 13q13.1.
Variant type: single nucleotide variant.
Coding change: c.5298T>C on transcript NM_000059.4 (MANE Select); coding-DNA position 5298, T replaced by C.
Protein change: p.Asn1766=; no amino-acid change (asparagine 1766 retained).
Molecular consequence: synonymous variant.
Genome position (GRCh38, 1-based): chr13:32,339,653, T>C. VCF-style: chr13-32339653-T-C. GRCh37 (hg19) VCF-style: chr13-32913790-T-C.
Other names: 5526T>C.
Identifiers: ClinVar variation 51838 (VCV000051838.4), dbSNP rs276174856, ClinGen allele CA021975.